The following is an entry in ClinVar:

ClinVar aggregate classification (germline): Uncertain significance (1 of 4 stars; one submission).

Submission:

Labcorp Genetics (formerly Invitae), Labcorp
Classification: Uncertain significance. Last evaluated: 2022-03-10. Review status: criteria provided, single submitter. Criteria: Invitae Variant Classification Sherloc (09022015). Collection method: clinical testing. Allele origin: germline.
Comment: ClinVar contains an entry for this variant (Variation ID: 1042460). Algorithms developed to predict the effect of missense changes on protein structure and function are either unavailable or do not agree on the potential impact of this missense change (SIFT: "Deleterious"; PolyPhen-2: "Benign"; Align-GVGD: "Class C0"). Algorithms developed to predict the effect of sequence changes on RNA splicing suggest that this variant may disrupt the consensus splice site. In summary, the available evidence is currently insufficient to determine the role of this variant in disease. Therefore, it has been classified as a Variant of Uncertain Significance. This sequence change replaces proline, which is neutral and non-polar, with leucine, which is neutral and non-polar, at codon 569 of the TTLL5 protein (p.Pro569Leu). This variant is not present in population databases (gnomAD no frequency). This variant has not been reported in the literature in individuals affected with TTLL5-related conditions.

NM_015072.5(TTLL5):c.1706C>T (p.Pro569Leu)

Gene: TTLL5 (tubulin tyrosine ligase like 5; plus strand). Cytogenetic location: 14q24.3.
Variant type: single nucleotide variant.
Coding change: c.1706C>T on transcript NM_015072.5 (MANE Select); coding-DNA position 1706, C replaced by T.
Protein change: p.Pro569Leu; replaces proline 569 with leucine.
Molecular consequence: missense variant.
Genome position (GRCh38, 1-based): chr14:75,764,770, C>T. VCF-style: chr14-75764770-C-T. GRCh37 (hg19) VCF-style: chr14-76231113-C-T.
Other names: short protein forms P569L.
Identifiers: ClinVar variation 1042460 (VCV001042460.8), dbSNP rs1890859098, ClinGen allele CA390466541.
Genomic context (GRCh38, chr14:75,764,770, plus strand): 5'-TGGAGGTGCGAAAACGTAGACGACGGAGTAGCAGATTGAGGGCAATGAGGCCAAAATACC[C>T]AGGTACCTGCTGGTGAGCTTTCACCAAACTCCCTTATCTGGATCCTGCCAGACTGAGTTA-3'
Protein context (NP_055887.3, residues 559-579): SRLRAMRPKY[Pro569Leu]VITQPAEMNV